The following is an entry in ClinVar:

ClinVar aggregate classification (germline): Uncertain significance. Review status: criteria provided, multiple submitters, no conflicts (2 of 4 stars). 2 submissions from 2 submitters: Uncertain significance (2). Last evaluated 2023-07-20.

Allele frequency attached by ClinVar (database versions not stated): TOPMed below 0.00001; gnomAD exomes below 0.00001.
gnomAD v4.1: 1 of 1,613,752 alleles (0.000062%); highest among the groups gnomAD compares: Non-Finnish European, 0.000085%; no homozygotes.

Submissions (2):

Ambry Genetics
Classification: Uncertain significance. Last evaluated: 2023-07-20. Review status: criteria provided, single submitter. Criteria: Ambry Variant Classification Scheme 2023. Collection method: clinical testing. Allele origin: germline.
Comment: The p.Y623D variant (also known as c.1867T>G), located in coding exon 16 of the A2ML1 gene, results from a T to G substitution at nucleotide position 1867. The tyrosine at codon 623 is replaced by aspartic acid, an amino acid with highly dissimilar properties. This amino acid position is conserved. In addition, the in silico prediction for this alteration is inconclusive. Since supporting evidence is limited at this time, the clinical significance of this alteration remains unclear.

Labcorp Genetics (formerly Invitae), Labcorp
Classification: Uncertain significance. Last evaluated: 2022-12-31. Review status: criteria provided, single submitter. Criteria: Invitae Variant Classification Sherloc (09022015). Collection method: clinical testing. Allele origin: germline.
Comment: In summary, the available evidence is currently insufficient to determine the role of this variant in disease. Therefore, it has been classified as a Variant of Uncertain Significance. Algorithms developed to predict the effect of missense changes on protein structure and function (SIFT, PolyPhen-2, Align-GVGD) all suggest that this variant is likely to be tolerated. This variant has not been reported in the literature in individuals affected with A2ML1-related conditions. This variant is present in population databases (no rsID available, gnomAD 0.0009%). This sequence change replaces tyrosine, which is neutral and polar, with aspartic acid, which is acidic and polar, at codon 623 of the A2ML1 protein (p.Tyr623Asp).

NM_144670.6(A2ML1):c.1867T>G (p.Tyr623Asp)

Gene: A2ML1 (alpha-2-macroglobulin like 1; plus strand). Cytogenetic location: 12p13.31.
Variant type: single nucleotide variant.
Coding change: c.1867T>G on transcript NM_144670.6 (MANE Select); coding-DNA position 1867, T replaced by G.
Protein change: p.Tyr623Asp; replaces tyrosine 623 with aspartic acid.
Molecular consequence: missense variant.
Genome position (GRCh38, 1-based): chr12:8,848,753, T>G. VCF-style: chr12-8848753-T-G. GRCh37 (hg19) VCF-style: chr12-9001349-T-G.
Other names: c.1867T>G (NM_144670.3); c.394T>G, p.Tyr132Asp (NM_001282424.3); short protein forms Y623D, Y132D.
Identifiers: ClinVar variation 2053719 (VCV002053719.6), dbSNP rs1167762999, ClinGen allele CA383830165.